The following is an entry in ClinVar:

NM_000548.5(TSC2):c.3252C>T (p.Asp1084=)

Gene: TSC2 (TSC complex subunit 2; plus strand). Cytogenetic location: 16p13.3.
Variant type: single nucleotide variant.
Coding change: c.3252C>T on transcript NM_000548.5 (MANE Select); coding-DNA position 3252, C replaced by T.
Protein change: p.Asp1084=; no amino-acid change (aspartic acid 1084 retained).
Molecular consequence: synonymous variant. On other transcripts: non-coding transcript variant (5).
Genome position (GRCh38, 1-based): chr16:2,079,396, C>T. VCF-style: chr16-2079396-C-T. GRCh37 (hg19) VCF-style: chr16-2129397-C-T.
Other names: c.3120C>T, p.Asp1040= (NM_001077183.3, NM_001370404.1, NM_001406665.1); c.3252C>T, p.Asp1084= (NM_001114382.3); c.3012C>T, p.Asp1004= (NM_001318827.2); c.2976C>T, p.Asp992= (NM_001318829.2); c.2520C>T, p.Asp840= (NM_001318831.2, NM_001406687.1, NM_001406688.1); c.3153C>T, p.Asp1051= (NM_001318832.2); c.3123C>T, p.Asp1041= (NM_001363528.2, NM_001370405.1, NM_021055.3); c.3249C>T, p.Asp1083= (NM_001406663.1, NM_001406664.1); and 18 more.
Identifiers: ClinVar variation 1978743 (VCV001978743.8), dbSNP rs45517286, ClinGen allele CA493042942.

ClinVar aggregate classification (germline): Benign/Likely benign. Review status: criteria provided, multiple submitters, no conflicts (2 of 4 stars). 4 submissions from 4 submitters: Benign (1); Likely benign (3). Last evaluated 2025-05-28.

Conditions:
Hereditary cancer-predisposing syndrome. Also called: Neoplastic Syndromes, Hereditary; Tumor predisposition; Hereditary Cancer Syndrome; Hereditary neoplastic syndrome. Identifiers: Orphanet 140162, MedGen C0027672, MeSH D009386, MONDO:0015356.
Tuberous sclerosis 2 (TSC2). Identifiers: Orphanet 805, MedGen C1860707, MONDO:0013199, OMIM 613254.

Submissions (4):

Myriad Genetics, Inc.
Classification: Benign for Tuberous sclerosis 2. Last evaluated: 2025-05-28. Review status: criteria provided, single submitter. Criteria: Myriad Autosomal Dominant, Autosomal Recessive and X-Linked Classification Criteria (2023). Collection method: clinical testing. Allele origin: unknown.
Comment: This variant is considered benign. This variant is a silent/synonymous amino acid change and it is not expected to impact splicing.

Labcorp Genetics (formerly Invitae), Labcorp
Classification: Likely benign for Tuberous sclerosis 2. Last evaluated: 2024-12-22. Review status: criteria provided, single submitter. Criteria: Invitae Variant Classification Sherloc (09022015). Collection method: clinical testing. Allele origin: germline.

Blueprint Genetics
Classification: Likely benign. Last evaluated: 2023-11-13. Review status: criteria provided, single submitter. Criteria: ACMG Guidelines, 2015. Collection method: clinical testing. Allele origin: germline.

Ambry Genetics
Classification: Likely benign for Hereditary cancer-predisposing syndrome. Last evaluated: 2023-08-30. Review status: criteria provided, single submitter. Criteria: Ambry Variant Classification Scheme 2023. Collection method: clinical testing. Allele origin: germline.